The following is an entry in ClinVar:

ClinVar aggregate classification (germline): Uncertain significance (1 of 4 stars; one submission).

Submission:

GeneDx
Classification: Uncertain significance. Last evaluated: 2024-04-29. Review status: criteria provided, single submitter. Criteria: GeneDx Variant Classification Process June 2021. Collection method: clinical testing. Allele origin: germline. Affected: yes.
Comment: Not observed in large population cohorts (gnomAD); In silico analysis supports that this missense variant has a deleterious effect on protein structure/function; Has not been previously published as pathogenic or benign to our knowledge

NM_004830.4(MED23):c.1271C>A (p.Ala424Glu)

Gene: MED23 (mediator complex subunit 23; minus strand). Cytogenetic location: 6q23.2.
Variant type: single nucleotide variant.
Coding change: c.1271C>A on transcript NM_004830.4 (MANE Select); coding-DNA position 1271, C replaced by A.
Protein change: p.Ala424Glu; replaces alanine 424 with glutamic acid.
Molecular consequence: missense variant.
Genome position (GRCh38, 1-based): chr6:131,606,575, G>T on the plus strand (C>A on the coding strand, the complement: MED23 is on the minus strand). VCF-style: chr6-131606575-G-T. GRCh37 (hg19) VCF-style: chr6-131927715-G-T.
Other names: c.1271C>A, p.Ala424Glu (NM_001270521.2, NM_001270522.2, NM_001376519.1 and 3 more transcripts); c.1289C>A, p.Ala430Glu (NM_001376517.1, NM_015979.4); c.1217C>A, p.Ala406Glu (NM_001376518.1); c.1130C>A, p.Ala377Glu (NM_001376520.1); c.1016C>A, p.Ala339Glu (NM_001376523.1); short protein forms A339E, A377E, A406E, A424E, A430E.
Identifiers: ClinVar variation 3253145 (VCV003253145.1), dbSNP rs2482678989.
Genomic context (GRCh38, chr6:131,606,575, plus strand): 5'-TGTAGCTTGGAGTTGTCATTTTGAGCTTTTCTATTGAGATGAATCCAAATACAGGTCATT[G>T]CAAAGGCATGGGTTGACTGGGGTTTGTTAATATCAGGAACTGGGATATACTGAAAAATAA-3'
Protein context (NP_004821.2, residues 414-434): INKPQSTHAF[Ala424Glu]MTCIWIHLNR